The following is an entry in ClinVar:

NM_004329.3(BMPR1A):c.574G>C (p.Asp192His)

Gene: BMPR1A (bone morphogenetic protein receptor type 1A; plus strand). Cytogenetic location: 10q23.2.
Variant type: single nucleotide variant.
Coding change: c.574G>C on transcript NM_004329.3 (MANE Select); coding-DNA position 574, G replaced by C.
Protein change: p.Asp192His; replaces aspartic acid 192 with histidine.
Molecular consequence: missense variant.
Genome position (GRCh38, 1-based): chr10:86,912,283, G>C. VCF-style: chr10-86912283-G-C. GRCh37 (hg19) VCF-style: chr10-88672040-G-C.
Other names: short protein forms D192H.
Identifiers: ClinVar variation 851945 (VCV000851945.11), dbSNP rs1843502418, ClinGen allele CA377454472.
Genomic context (GRCh38, chr10:86,912,283, plus strand): 5'-TTCTGCTTTTTTAAAAGACATTATTGCAAGAGCATCTCAAGCAGACGTCGTTACAATCGT[G>C]ATTTGGAACAGGATGAAGCATTTATTCCAGTTGGAGAATCACTAAAAGACCTTATTGACC-3'
Protein context (NP_004320.2, residues 182-202): SISSRRRYNR[Asp192His]LEQDEAFIPV

ClinVar aggregate classification (germline): Uncertain significance (1 of 4 stars; one submission).

Conditions:
Juvenile polyposis syndrome (JPS). Identifiers: Orphanet 2929, MedGen C0345893, MONDO:0017380, OMIM 174900.

Submission:

Labcorp Genetics (formerly Invitae), Labcorp
Classification: Uncertain significance for Juvenile polyposis syndrome. Last evaluated: 2019-12-26. Review status: criteria provided, single submitter. Criteria: Invitae Variant Classification Sherloc (09022015). Collection method: clinical testing. Allele origin: germline.
Comment: Algorithms developed to predict the effect of missense changes on protein structure and function are either unavailable or do not agree on the potential impact of this missense change (SIFT: "Tolerated"; PolyPhen-2: "Possibly Damaging"; Align-GVGD: "Class C0"). In summary, the available evidence is currently insufficient to determine the role of this variant in disease. Therefore, it has been classified as a Variant of Uncertain Significance. This sequence change replaces aspartic acid with histidine at codon 192 of the BMPR1A protein (p.Asp192His). The aspartic acid residue is moderately conserved and there is a moderate physicochemical difference between aspartic acid and histidine. This variant is not present in population databases (ExAC no frequency). This variant has not been reported in the literature in individuals with BMPR1A-related conditions.